The following is an entry in ClinVar:

ClinVar aggregate classification (germline): Uncertain significance (1 of 4 stars; one submission).

Conditions:
Inborn genetic diseases. Identifiers: MedGen C0950123, MeSH D030342.

Submission:

Ambry Genetics
Classification: Uncertain significance for Inborn genetic diseases. Last evaluated: 2025-07-23. Review status: criteria provided, single submitter. Criteria: Ambry Variant Classification Scheme 2023. Collection method: clinical testing. Allele origin: germline.
Comment: The c.935+4_935+7delAGTG intronic variant begins 4 nucleotides after coding exon 9 in the DDX41 gene. This variant results from a deletion of 4 nucleotides at positions c.935+4 to c.935+7. This nucleotide region is well conserved in available vertebrate species. In silico splice site analysis predicts that this alteration will weaken the native splice donor site. Based on the available evidence, the clinical significance of this variant remains unclear.

NM_016222.4(DDX41):c.935+4_935+7del

Gene: DDX41 (DEAD-box helicase 41; minus strand). Cytogenetic location: 5q35.3.
Variant type: Microsatellite.
Coding change: c.935+4_935+7del on transcript NM_016222.4 (MANE Select); bases 4 to 7 of the intron after coding-DNA position 935, 4 bases deleted (AGTG; older notation c.935+4_935+7delAGTG).
Molecular consequence: splice donor variant.
Genome position (GRCh38, 1-based): chr5:177,514,694-177,514,697, CACT deleted on the plus strand (AGTG on the coding strand, the reverse complement: DDX41 is on the minus strand); deleting any 4 consecutive bases within chr5:177,514,694-177,514,701 gives the same sequence; the c. name uses the placement nearest the transcript's 3' end. VCF-style (leftmost placement, unchanged base first): chr5-177514693-GCACT-G. GRCh37 (hg19) VCF-style: chr5-176941694-GCACT-G.
Other names: c.557+4_557+7del (NM_001321830.2, NM_001321732.2).
Identifiers: ClinVar variation 4238776 (VCV004238776.1).